The following is an entry in ClinVar:

NM_001010874.5(TECRL):c.492G>T (p.Arg164Ser)

Gene: TECRL (trans-2,3-enoyl-CoA reductase like; minus strand). Cytogenetic location: 4q13.1.
Variant type: single nucleotide variant.
Coding change: c.492G>T on transcript NM_001010874.5 (MANE Select); coding-DNA position 492, G replaced by T.
Protein change: p.Arg164Ser; replaces arginine 164 with serine.
Molecular consequence: missense variant.
Genome position (GRCh38, 1-based): chr4:64,314,707, C>A on the plus strand (G>T on the coding strand, the complement: TECRL is on the minus strand). VCF-style: chr4-64314707-C-A. GRCh37 (hg19) VCF-style: chr4-65180425-C-A.
Other names: c.492G>T, p.Arg164Ser (NM_001363796.1); short protein forms R164S.
Identifiers: ClinVar variation 3454629 (VCV003454629.1).
Genomic context (GRCh38, chr4:64,314,707, plus strand): 5'-CTGTACCACTGGGTGGCGTAATCTTCTAGCACTCTCTTTTCCATCATATATACATGGGAT[C>A]CTCAAATAAAAGAGGAGGTATATTAGCAGAGGTCCTGTGTATTCAGCCAAAAACACCTGA-3'
Protein context (NP_001010874.2, residues 154-174): PLLIYLLFYL[Arg164Ser]IPCIYDGKES

ClinVar aggregate classification (germline): Uncertain significance (1 of 4 stars; one submission).

Conditions:
Cardiovascular phenotype. Identifiers: MedGen CN230736.

gnomAD v4.1: 1 of 1,611,020 alleles (0.000062%); highest among the groups gnomAD compares: Non-Finnish European, 0.000085%; no homozygotes.

Submission:

Ambry Genetics
Classification: Uncertain significance for Cardiovascular phenotype. Last evaluated: 2024-08-12. Review status: criteria provided, single submitter. Criteria: Ambry Variant Classification Scheme 2023. Collection method: clinical testing. Allele origin: germline.
Comment: The p.R164S variant (also known as c.492G>T), located in coding exon 5 of the TECRL gene, results from a G to T substitution at nucleotide position 492. The arginine at codon 164 is replaced by serine, an amino acid with dissimilar properties. This amino acid position is conserved. In addition, the in silico prediction for this alteration is inconclusive. Based on the available evidence, the clinical significance of this variant remains unclear.